The following is an entry in ClinVar:

ClinVar aggregate classification (germline): Uncertain significance. Review status: criteria provided, multiple submitters, no conflicts (2 of 4 stars). 2 submissions from 2 submitters: Uncertain significance (2). Last evaluated 2025-05-30.

Conditions:
Cardiovascular phenotype. Identifiers: MedGen CN230736.
Hypertrophic cardiomyopathy. Also called: HYPERTROPHIC MYOCARDIOPATHY. Identifiers: Orphanet 217569, MedGen C0007194, MeSH D002312, MONDO:0005045, HP:0001639.

Submissions (2):

Labcorp Genetics (formerly Invitae), Labcorp
Classification: Uncertain significance for Hypertrophic cardiomyopathy. Last evaluated: 2025-05-30. Review status: criteria provided, single submitter. Criteria: Invitae Variant Classification Sherloc (09022015). Collection method: clinical testing. Allele origin: germline.
Comment: This sequence change replaces tryptophan, which is neutral and slightly polar, with cysteine, which is neutral and slightly polar, at codon 827 of the MYH7 protein (p.Trp827Cys). This variant is not present in population databases (gnomAD no frequency). This missense change has been observed in individual(s) with hypertrophic cardiomyopathy (PMID: 15940186, 20624503). ClinVar contains an entry for this variant (Variation ID: 1791933). Invitae Evidence Modeling of protein sequence and biophysical properties (such as structural, functional, and spatial information, amino acid conservation, physicochemical variation, residue mobility, and thermodynamic stability) indicates that this missense variant is expected to disrupt MYH7 protein function with a positive predictive value of 95%. In summary, the available evidence is currently insufficient to determine the role of this variant in disease. Therefore, it has been classified as a Variant of Uncertain Significance.

Ambry Genetics
Classification: Uncertain significance for Cardiovascular phenotype. Last evaluated: 2019-07-23. Review status: criteria provided, single submitter. Criteria: Ambry Variant Classification Scheme 2023. Collection method: clinical testing. Allele origin: germline.
Comment: The p.W827C variant (also known as c.2481G>T), located in coding exon 20 of the MYH7 gene, results from a G to T substitution at nucleotide position 2481. The tryptophan at codon 827 is replaced by cysteine, an amino acid with highly dissimilar properties, and is located in the head domain. This variant has been detected in hypertrophic cardiomyopathy cohorts; however, clinical detail was limited (Millat G et al. Eur J Med Genet Jul;53:261-7; Ho CY et al. Circulation, 2018 Oct;138:1387-1398). This amino acid position is highly conserved in available vertebrate species. In addition, this alteration is predicted to be deleterious by in silico analysis. Since supporting evidence is limited at this time, the clinical significance of this alteration remains unclear.

Literature cited by the submitters: PubMed 15940186 (cited by Labcorp Genetics (formerly Invitae), Labcorp); PubMed 20624503 (cited by Labcorp Genetics (formerly Invitae), Labcorp and Ambry Genetics); PubMed 30297972 (cited by Ambry Genetics).

NM_000257.4(MYH7):c.2481G>T (p.Trp827Cys)

Genes: MYH7 (myosin heavy chain 7; minus strand), LOC126861898 (BRD4-independent group 4 enhancer GRCh37_chr14:23893609-23894808; plus strand). Cytogenetic location: 14q11.2.
Variant type: single nucleotide variant.
Coding change: c.2481G>T on transcript NM_000257.4 (MANE Select); coding-DNA position 2481, G replaced by T.
Protein change: p.Trp827Cys; replaces tryptophan 827 with cysteine.
Molecular consequence: missense variant.
Genome position (GRCh38, 1-based): chr14:23,424,967, C>A on the plus strand (G>T on the coding strand, the complement: MYH7 is on the minus strand). VCF-style: chr14-23424967-C-A. GRCh37 (hg19) VCF-style: chr14-23894176-C-A.
Other names: c.2481G>T, p.Trp827Cys (NM_001407004.1); short protein forms W827C.
Identifiers: ClinVar variation 1791933 (VCV001791933.5), dbSNP rs786204091, ClinGen allele CA389048324.